The following is an entry in ClinVar:

ClinVar aggregate classification (germline): Uncertain significance. Review status: criteria provided, multiple submitters, no conflicts (2 of 4 stars). 2 submissions from 2 submitters: Uncertain significance (2). Last evaluated 2025-09-04.

Conditions:
Inborn genetic diseases. Identifiers: MedGen C0950123, MeSH D030342.

Allele frequency attached by ClinVar (database versions not stated): gnomAD 0.00002; gnomAD exomes 0.00002 and 0.00004; TOPMed 0.00002; ExAC 0.00004.
gnomAD v4.1: 14 of 1,605,834 alleles (0.00087%); highest among the groups gnomAD compares: Admixed American, 0.024%; no homozygotes.

Submissions (2):

Ambry Genetics
Classification: Uncertain significance for Inborn genetic diseases. Last evaluated: 2025-09-04. Review status: criteria provided, single submitter. Criteria: Ambry Variant Classification Scheme 2023. Collection method: clinical testing. Allele origin: germline.

Labcorp Genetics (formerly Invitae), Labcorp
Classification: Uncertain significance. Last evaluated: 2025-03-07. Review status: criteria provided, single submitter. Criteria: Invitae Variant Classification Sherloc (09022015). Collection method: clinical testing. Allele origin: germline.
Comment: This sequence change replaces glycine, which is neutral and non-polar, with glutamic acid, which is acidic and polar, at codon 108 of the PROM1 protein (p.Gly108Glu). This variant is present in population databases (rs771963436, gnomAD 0.03%). This variant has not been reported in the literature in individuals affected with PROM1-related conditions. ClinVar contains an entry for this variant (Variation ID: 1006637). Invitae Evidence Modeling of protein sequence and biophysical properties (such as structural, functional, and spatial information, amino acid conservation, physicochemical variation, residue mobility, and thermodynamic stability) indicates that this missense variant is expected to disrupt PROM1 protein function with a positive predictive value of 80%. In summary, the available evidence is currently insufficient to determine the role of this variant in disease. Therefore, it has been classified as a Variant of Uncertain Significance.

NM_006017.3(PROM1):c.323G>A (p.Gly108Glu)

Gene: PROM1 (prominin 1; minus strand). Cytogenetic location: 4p15.32.
Variant type: single nucleotide variant.
Coding change: c.323G>A on transcript NM_006017.3 (MANE Select); coding-DNA position 323, G replaced by A.
Protein change: p.Gly108Glu; replaces glycine 108 with glutamic acid.
Molecular consequence: missense variant.
Genome position (GRCh38, 1-based): chr4:16,033,490, C>T on the plus strand (G>A on the coding strand, the complement: PROM1 is on the minus strand). VCF-style: chr4-16033490-C-T. GRCh37 (hg19) VCF-style: chr4-16035113-C-T.
Other names: c.323G>A (NM_006017.2); c.296G>A, p.Gly99Glu (NM_001145847.2, NM_001145848.2, NM_001145851.2 and 4 more transcripts); c.323G>A, p.Gly108Glu (NM_001145849.2, NM_001145850.2); short protein forms G108E, G99E.
Identifiers: ClinVar variation 1006637 (VCV001006637.9), dbSNP rs771963436, ClinGen allele CA2867099.